The following is an entry in ClinVar:

ClinVar aggregate classification (germline): Benign/Likely benign. Review status: criteria provided, multiple submitters, no conflicts (2 of 4 stars). 3 submissions from 3 submitters: Benign (1); Likely benign (2). Last evaluated 2025-05-10.

Conditions:
Hereditary cancer-predisposing syndrome. Also called: Neoplastic Syndromes, Hereditary; Tumor predisposition; Hereditary neoplastic syndrome; Hereditary Cancer Syndrome. Identifiers: Orphanet 140162, MedGen C0027672, MeSH D009386, MONDO:0015356.
Hereditary diffuse gastric adenocarcinoma (HDGC). Also called: DIFFUSE GASTRIC AND LOBULAR BREAST CANCER SYNDROME. Identifiers: Orphanet 26106, MedGen C1708349, MONDO:0007648, OMIM 137215.

gnomAD v4.1: 1 of 1,614,006 alleles (0.000062%); highest among the groups gnomAD compares: African/African-American, 0.0013%; no homozygotes.

Submissions (3):

Ambry Genetics
Classification: Likely benign for Hereditary cancer-predisposing syndrome. Last evaluated: 2025-05-10. Review status: criteria provided, single submitter. Criteria: Ambry Variant Classification Scheme 2023. Collection method: clinical testing. Allele origin: germline.

Labcorp Genetics (formerly Invitae), Labcorp
Classification: Likely benign for Hereditary diffuse gastric adenocarcinoma. Last evaluated: 2025-04-21. Review status: criteria provided, single submitter. Criteria: Invitae Variant Classification Sherloc (09022015). Collection method: clinical testing. Allele origin: germline.

Myriad Genetics, Inc.
Classification: Benign for Hereditary diffuse gastric adenocarcinoma. Last evaluated: 2024-09-24. Review status: criteria provided, single submitter. Criteria: Myriad Autosomal Dominant, Autosomal Recessive and X-Linked Classification Criteria (2023). Collection method: clinical testing. Allele origin: unknown.
Comment: This variant is considered benign. This variant is a silent/synonymous amino acid change and it is not expected to impact splicing.

NM_004360.5(CDH1):c.2443C>T (p.Leu815=)

Gene: CDH1 (cadherin 1; plus strand). Cytogenetic location: 16q22.1.
Variant type: single nucleotide variant.
Coding change: c.2443C>T on transcript NM_004360.5 (MANE Select); coding-DNA position 2443, C replaced by T.
Protein change: p.Leu815=; no amino-acid change (leucine 815 retained).
Molecular consequence: synonymous variant.
Genome position (GRCh38, 1-based): chr16:68,833,293, C>T. VCF-style: chr16-68833293-C-T. GRCh37 (hg19) VCF-style: chr16-68867196-C-T.
Other names: c.2260C>T, p.Leu754= (NM_001317184.2); c.895C>T, p.Leu299= (NM_001317185.2); c.478C>T, p.Leu160= (NM_001317186.2).
Identifiers: ClinVar variation 2916919 (VCV002916919.5), dbSNP rs2152143831, ClinGen allele CA496392942.
Genomic context (GRCh38, chr16:68,833,293, plus strand): 5'-AGATGACAGGTGTGCCCTTCCTTTCACTAAAAGATGCTTTTGTCCCTTCTTCTTTAGAAT[C>T]TGAAAGCGGCTGATACTGACCCCACAGCCCCGCCTTATGATTCTCTGCTCGTGTTTGACT-3'
Protein context (NP_004351.1, residues 805-825): DEIGNFIDEN[Leu815=]KAADTDPTAP